The following is an entry in ClinVar:

ClinVar aggregate classification (germline): Uncertain significance. Review status: criteria provided, multiple submitters, no conflicts (2 of 4 stars). 3 submissions from 3 submitters: Uncertain significance (3). Last evaluated 2025-05-01.

Conditions:
Inborn genetic diseases. Identifiers: MedGen C0950123, MeSH D030342.

Allele frequency attached by ClinVar (database versions not stated): gnomAD exomes 0.00014; ESP Exome Variant Server 0.00023; gnomAD 0.00024 and 0.00020; ExAC 0.00010; TOPMed 0.00013.
gnomAD v4.1: 315 of 1,613,558 alleles (0.02%); highest among the groups gnomAD compares: Non-Finnish European, 0.024%; no homozygotes.

Submissions (3):

Ambry Genetics
Classification: Uncertain significance for Inborn genetic diseases. Last evaluated: 2025-05-01. Review status: criteria provided, single submitter. Criteria: Ambry Variant Classification Scheme 2023. Collection method: clinical testing. Allele origin: germline.

Labcorp Genetics (formerly Invitae), Labcorp
Classification: Uncertain significance. Last evaluated: 2022-10-17. Review status: criteria provided, single submitter. Criteria: Invitae Variant Classification Sherloc (09022015). Collection method: clinical testing. Allele origin: germline.
Comment: This sequence change replaces arginine, which is basic and polar, with lysine, which is basic and polar, at codon 1325 of the CENPF protein (p.Arg1325Lys). This variant is present in population databases (rs150048811, gnomAD 0.03%). This variant has not been reported in the literature in individuals affected with CENPF-related conditions. ClinVar contains an entry for this variant (Variation ID: 1336086). Algorithms developed to predict the effect of missense changes on protein structure and function output the following: SIFT: "Deleterious"; PolyPhen-2: "Benign"; Align-GVGD: "Class C25". The lysine amino acid residue is found in multiple mammalian species, which suggests that this missense change does not adversely affect protein function. In summary, the available evidence is currently insufficient to determine the role of this variant in disease. Therefore, it has been classified as a Variant of Uncertain Significance.

Genetic Services Laboratory, University of Chicago
Classification: Uncertain significance. Last evaluated: 2018-08-06. Review status: criteria provided, single submitter. Criteria: ACMG Guidelines, 2015. Collection method: clinical testing. Allele origin: germline. Affected: no.

NM_016343.4(CENPF):c.3974G>A (p.Arg1325Lys)

Gene: CENPF (centromere protein F; plus strand). Cytogenetic location: 1q41.
Variant type: single nucleotide variant.
Coding change: c.3974G>A on transcript NM_016343.4 (MANE Select); coding-DNA position 3974, G replaced by A.
Protein change: p.Arg1325Lys; replaces arginine 1325 with lysine.
Molecular consequence: missense variant.
Genome position (GRCh38, 1-based): chr1:214,642,312, G>A. VCF-style: chr1-214642312-G-A. GRCh37 (hg19) VCF-style: chr1-214815655-G-A.
Other names: short protein forms R1325K.
Identifiers: ClinVar variation 1336086 (VCV001336086.10), dbSNP rs150048811, ClinGen allele CA1390511.